The following is an entry in ClinVar:

ClinVar aggregate classification (germline): Pathogenic (1 of 4 stars; one submission).

Conditions:
SHANK1-related Neurodevelopmental Disorder.

Submission:

Groupe Hospitalier Pitie Salpetriere, Uf Genomique Du Developpement, Assistance Publique Hopitaux de Paris Sorbonne Université
Classification: Pathogenic for Neurodevelopmental disorder, SHANK1-related. Last evaluated: 2024-01-01. Review status: criteria provided, single submitter. Criteria: ACMG Guidelines, 2015. Collection method: clinical testing. Allele origin: germline. Affected: yes.
Comment: This variant is a null variant (PVS1), found de novo (PS2) and absent or extremely rare in population databases (PM2_supp)

NM_016148.5(SHANK1):c.3595_3599del (p.Ser1199fs)

Gene: SHANK1 (SH3 and multiple ankyrin repeat domains 1; minus strand). Cytogenetic location: 19q13.33.
Variant type: Deletion.
Coding change: c.3595_3599del on transcript NM_016148.5 (MANE Select); coding-DNA positions 3595 to 3599, 5 bases deleted (AGCCC; older notation c.3595_3599delAGCCC).
Protein change: p.Ser1199fs; shifts the reading frame from serine 1199.
Molecular consequence: frameshift variant.
Genome position (GRCh38, 1-based): chr19:50,668,361-50,668,365, GGGCT deleted on the plus strand (AGCCC on the coding strand, the reverse complement: SHANK1 is on the minus strand); deleting any 5 consecutive bases within chr19:50,668,361-50,668,369 gives the same sequence; the c. name uses the placement nearest the transcript's 3' end. VCF-style (leftmost placement, unchanged base first): chr19-50668360-GGGGCT-G. GRCh37 (hg19) VCF-style: chr19-51171617-GGGGCT-G.
Other names: short protein forms S1199fs.
Identifiers: ClinVar variation 4813351 (VCV004813351.1).
Genomic context (GRCh38, chr19:50,668,360, plus strand): 5'-GGGCGAGGCGGGGGTGGGCACGGGCGAGGGGGACGGGGGCACGGGTGACATGGCCGGGGC[GGGGCT>G]GGGCGAGGAGCCGCCGCCGCCGCCGCCTCCCGTGGGCTCCGGCTGGGTGGGGGGCTCCGC-3'